The following is an entry in ClinVar:

ClinVar aggregate classification (germline): Uncertain significance (1 of 4 stars; one submission).

gnomAD v4.1: 1 of 1,614,116 alleles (0.000062%); highest among the groups gnomAD compares: Non-Finnish European, 0.000085%; no homozygotes.

Submission:

Labcorp Genetics (formerly Invitae), Labcorp
Classification: Uncertain significance. Last evaluated: 2025-07-30. Review status: criteria provided, single submitter. Criteria: Invitae Variant Classification Sherloc (09022015). Collection method: clinical testing. Allele origin: germline.
Comment: This sequence change replaces methionine, which is neutral and non-polar, with leucine, which is neutral and non-polar, at codon 393 of the ACOX2 protein (p.Met393Leu). This variant is not present in population databases (gnomAD no frequency). This variant has not been reported in the literature in individuals affected with ACOX2-related conditions. An algorithm developed to predict the effect of missense changes on protein structure and function outputs the following: PolyPhen-2: "Benign". The leucine amino acid residue is found in multiple mammalian species, which suggests that this missense change does not adversely affect protein function. In summary, the available evidence is currently insufficient to determine the role of this variant in disease. Therefore, it has been classified as a Variant of Uncertain Significance.

NM_003500.4(ACOX2):c.1177A>C (p.Met393Leu)

Gene: ACOX2 (acyl-CoA oxidase 2; minus strand). Cytogenetic location: 3p14.3.
Variant type: single nucleotide variant.
Coding change: c.1177A>C on transcript NM_003500.4 (MANE Select); coding-DNA position 1177, A replaced by C.
Protein change: p.Met393Leu; replaces methionine 393 with leucine.
Molecular consequence: missense variant.
Genome position (GRCh38, 1-based): chr3:58,526,635, T>G on the plus strand (A>C on the coding strand, the complement: ACOX2 is on the minus strand). VCF-style: chr3-58526635-T-G. GRCh37 (hg19) VCF-style: chr3-58512362-T-G.
Other names: short protein forms M393L.
Identifiers: ClinVar variation 4724336 (VCV004724336.1).